The following is an entry in ClinVar:

NM_172364.5(CACNA2D4):c.2974+6T>C

Gene: CACNA2D4 (calcium voltage-gated channel auxiliary subunit alpha2delta 4; minus strand). Cytogenetic location: 12p13.33.
Variant type: single nucleotide variant.
Coding change: c.2974+6T>C on transcript NM_172364.5 (MANE Select); 6 bases into the intron after coding-DNA position 2974, T replaced by C.
Molecular consequence: intron variant.
Genome position (GRCh38, 1-based): chr12:1,799,994, A>G on the plus strand (T>C on the coding strand, the complement: CACNA2D4 is on the minus strand). VCF-style: chr12-1799994-A-G. GRCh37 (hg19) VCF-style: chr12-1909160-A-G.
Identifiers: ClinVar variation 959470 (VCV000959470.9), dbSNP rs752382702, ClinGen allele CA6386121.

ClinVar aggregate classification (germline): Uncertain significance (1 of 4 stars; one submission).

Allele frequency attached by ClinVar (database versions not stated): gnomAD exomes below 0.00001 and 0.00002; TOPMed below 0.00001; gnomAD 0.00001; ExAC 0.00002.
gnomAD v4.1: 31 of 1,601,540 alleles (0.0019%); highest among the groups gnomAD compares: Non-Finnish European, 0.0026%; no homozygotes.

Submission:

Labcorp Genetics (formerly Invitae), Labcorp
Classification: Uncertain significance. Last evaluated: 2024-10-02. Review status: criteria provided, single submitter. Criteria: Invitae Variant Classification Sherloc (09022015). Collection method: clinical testing. Allele origin: germline.
Comment: This sequence change falls in intron 33 of the CACNA2D4 gene. It does not directly change the encoded amino acid sequence of the CACNA2D4 protein. It affects a nucleotide within the consensus splice site. This variant is present in population databases (rs752382702, gnomAD 0.002%). This variant has not been reported in the literature in individuals affected with CACNA2D4-related conditions. ClinVar contains an entry for this variant (Variation ID: 959470). Variants that disrupt the consensus splice site are a relatively common cause of aberrant splicing (PMID: 17576681, 9536098). Algorithms developed to predict the effect of sequence changes on RNA splicing suggest that this variant may disrupt the consensus splice site. In summary, the available evidence is currently insufficient to determine the role of this variant in disease. Therefore, it has been classified as a Variant of Uncertain Significance.

Literature cited by the submitters: PubMed 17576681; PubMed 9536098.